The following is an entry in ClinVar:

NM_002439.5(MSH3):c.359-1G>A

Gene: MSH3 (mutS homolog 3; plus strand). Cytogenetic location: 5q14.1.
Variant type: single nucleotide variant.
Coding change: c.359-1G>A on transcript NM_002439.5 (MANE Select); the canonical splice acceptor site of the intron before coding-DNA position 359, G replaced by A.
Molecular consequence: splice acceptor variant.
Genome position (GRCh38, 1-based): chr5:80,665,142, G>A. VCF-style: chr5-80665142-G-A. GRCh37 (hg19) VCF-style: chr5-79960961-G-A.
Identifiers: ClinVar variation 4655026 (VCV004655026.1).

ClinVar aggregate classification (germline): Likely pathogenic (1 of 4 stars; one submission).

Conditions:
Hereditary cancer-predisposing syndrome. Also called: Neoplastic Syndromes, Hereditary; Tumor predisposition; Hereditary Cancer Syndrome; Hereditary neoplastic syndrome. Identifiers: Orphanet 140162, MedGen C0027672, MeSH D009386, MONDO:0015356.

Submission:

Ambry Genetics
Classification: Likely pathogenic for Hereditary cancer-predisposing syndrome. Last evaluated: 2025-12-09. Review status: criteria provided, single submitter. Criteria: Ambry Variant Classification Scheme 2023. Collection method: clinical testing. Allele origin: germline.
Comment: The c.359-1G>A intronic variant results from a G to A substitution one nucleotide upstream from coding exon 3 of the MSH3 gene. This variant is considered to be rare based on population cohorts in the Genome Aggregation Database (gnomAD). This nucleotide position is highly conserved in available vertebrate species. In silico splice site analysis predicts that this alteration will weaken the native splice acceptor site and will result in the creation or strengthening of a novel splice acceptor site; however, direct evidence is insufficient at this time (Ambry internal data). Alterations that disrupt the canonical splice site are expected to cause aberrant splicing, resulting in an abnormal protein or a transcript that is subject to nonsense-mediated mRNA decay. As such, this alteration is classified as likely pathogenic.